The following is an entry in ClinVar:

NM_002485.5(NBN):c.1394A>G (p.Lys465Arg)

Gene: NBN (nibrin; minus strand). Cytogenetic location: 8q21.3.
Variant type: single nucleotide variant.
Coding change: c.1394A>G on transcript NM_002485.5 (MANE Select); coding-DNA position 1394, A replaced by G.
Protein change: p.Lys465Arg; replaces lysine 465 with arginine.
Molecular consequence: missense variant.
Genome position (GRCh38, 1-based): chr8:89,955,286, T>C on the plus strand (A>G on the coding strand, the complement: NBN is on the minus strand). VCF-style: chr8-89955286-T-C. GRCh37 (hg19) VCF-style: chr8-90967514-T-C.
Other names: c.1148A>G, p.Lys383Arg (NM_001024688.3); short protein forms K383R, K465R.
Identifiers: ClinVar variation 2125993 (VCV002125993.5), dbSNP rs2488242145, ClinGen allele CA371655954.

ClinVar aggregate classification (germline): Uncertain significance. Review status: criteria provided, multiple submitters, no conflicts (2 of 4 stars). 2 submissions from 2 submitters: Uncertain significance (2). Last evaluated 2025-07-24.

Conditions:
Microcephaly, normal intelligence and immunodeficiency (NBS). Also called: Nijmegen breakage syndrome; Microcephaly with normal intelligence immunodeficiency and lymphoreticular malignancies; Nonsyndromal microcephaly autosomal recessive with normal intelligence; Seemanova syndrome 2; Immunodeficiency, microcephaly with normal intelligence; Ataxia telangiectasia variant V1. Identifiers: Orphanet 647, MedGen C0398791, MONDO:0009623, OMIM 251260.
Hereditary cancer-predisposing syndrome. Also called: Hereditary Cancer Syndrome; Neoplastic Syndromes, Hereditary; Hereditary neoplastic syndrome; Tumor predisposition. Identifiers: Orphanet 140162, MedGen C0027672, MeSH D009386, MONDO:0015356.

Submissions (2):

Ambry Genetics
Classification: Uncertain significance for Hereditary cancer-predisposing syndrome. Last evaluated: 2025-07-24. Review status: criteria provided, single submitter. Criteria: Ambry Variant Classification Scheme 2023. Collection method: clinical testing. Allele origin: germline.
Comment: The p.K465R variant (also known as c.1394A>G), located in coding exon 10 of the NBN gene, results from an A to G substitution at nucleotide position 1394. The lysine at codon 465 is replaced by arginine, an amino acid with highly similar properties. This amino acid position is conserved. In addition, this alteration is predicted to be tolerated by in silico analysis. Based on the available evidence, the clinical significance of this variant remains unclear.

Labcorp Genetics (formerly Invitae), Labcorp
Classification: Uncertain significance for Microcephaly, normal intelligence and immunodeficiency. Last evaluated: 2022-04-13. Review status: criteria provided, single submitter. Criteria: Invitae Variant Classification Sherloc (09022015). Collection method: clinical testing. Allele origin: germline.
Comment: In summary, the available evidence is currently insufficient to determine the role of this variant in disease. Therefore, it has been classified as a Variant of Uncertain Significance. Algorithms developed to predict the effect of missense changes on protein structure and function are either unavailable or do not agree on the potential impact of this missense change (SIFT: "Tolerated"; PolyPhen-2: "Possibly Damaging"; Align-GVGD: "Class C0"). This variant has not been reported in the literature in individuals affected with NBN-related conditions. This variant is not present in population databases (gnomAD no frequency). This sequence change replaces lysine, which is basic and polar, with arginine, which is basic and polar, at codon 465 of the NBN protein (p.Lys465Arg).